The following is an entry in ClinVar:

ClinVar aggregate classification (germline): Uncertain significance (1 of 4 stars; one submission).

Conditions:
Dilated cardiomyopathy 1II (CMD1II). Identifiers: Orphanet 154, MedGen C3554649, MONDO:0014073, OMIM 615184.

Allele frequency attached by ClinVar (database versions not stated): TOPMed below 0.00001; gnomAD 0.00001.
gnomAD v4.1: 2 of 1,611,122 alleles (0.00012%); highest among the groups gnomAD compares: South Asian, 0.0011%; no homozygotes.

Submission:

Labcorp Genetics (formerly Invitae), Labcorp
Classification: Uncertain significance for Dilated cardiomyopathy 1II. Last evaluated: 2023-07-31. Review status: criteria provided, single submitter. Criteria: Invitae Variant Classification Sherloc (09022015). Collection method: clinical testing. Allele origin: germline.
Comment: In summary, the available evidence is currently insufficient to determine the role of this variant in disease. Therefore, it has been classified as a Variant of Uncertain Significance. An algorithm developed to predict the effect of missense changes on protein structure and function (PolyPhen-2) suggests that this variant is likely to be disruptive. ClinVar contains an entry for this variant (Variation ID: 2164955). This variant has not been reported in the literature in individuals affected with CRYAB-related conditions. The frequency data for this variant in the population databases is considered unreliable, as metrics indicate poor data quality at this position in the gnomAD database. This sequence change replaces glutamine, which is neutral and polar, with histidine, which is basic and polar, at codon 26 of the CRYAB protein (p.Gln26His).

NM_001289808.2(CRYAB):c.78G>C (p.Gln26His)

Gene: CRYAB (crystallin alpha B; minus strand). Cytogenetic location: 11q23.1.
Variant type: single nucleotide variant.
Coding change: c.78G>C on transcript NM_001289808.2 (MANE Select); coding-DNA position 78, G replaced by C.
Protein change: p.Gln26His; replaces glutamine 26 with histidine.
Molecular consequence: missense variant.
Genome position (GRCh38, 1-based): chr11:111,911,647, C>G on the plus strand (G>C on the coding strand, the complement: CRYAB is on the minus strand). VCF-style: chr11-111911647-C-G. GRCh37 (hg19) VCF-style: chr11-111782371-C-G.
Other names: c.78G>C, p.Gln26His (NM_001289807.1, NM_001368245.1, NM_001885.3); short protein forms Q26H.
Identifiers: ClinVar variation 2164955 (VCV002164955.4), dbSNP rs1334674429, ClinGen allele CA382600781.